The following is an entry in ClinVar:

ClinVar aggregate classification (germline): Uncertain significance (1 of 4 stars; one submission).

Conditions:
DMD-related disorder. Also called: DMD-related condition.

Submission:

PreventionGenetics, part of Exact Sciences
Classification: Uncertain significance for DMD-related condition. Last evaluated: 2025-07-15. Review status: criteria provided, single submitter. Criteria: ACMG Guidelines, 2015. Collection method: clinical testing. Allele origin: germline.
Comment: The DMD c.32A>G variant is predicted to result in the amino acid substitution p.Tyr11Cys. To our knowledge, this variant has not been reported in the literature or in a large population database (gnomAD), indicating this variant is rare. At this time, the clinical significance of this variant is uncertain due to the absence of conclusive functional and genetic evidence.

NM_004006.3(DMD):c.4072-113A>G

Gene: DMD (dystrophin; minus strand). Cytogenetic location: Xp21.1.
Variant type: single nucleotide variant.
Coding change: c.4072-113A>G on transcript NM_004006.3 (MANE Select); 113 bases into the intron before coding-DNA position 4072, A replaced by G.
Molecular consequence: intron variant. On other transcripts: missense variant (1).
Genome position (GRCh38, 1-based): chrX:32,412,026, T>C on the plus strand (A>G on the coding strand, the complement: DMD is on the minus strand). VCF-style: chrX-32412026-T-C. GRCh37 (hg19) VCF-style: chrX-32430143-T-C.
Other names: c.32A>G, p.Tyr11Cys (NM_004012.4); c.4048-113A>G (NM_000109.4); c.49-113A>G (NM_004011.4); c.4060-113A>G (NM_004009.3); c.3703-113A>G (NM_004010.3); short protein forms Y11C.
Identifiers: ClinVar variation 5000960 (VCV005000960.1).
Genomic context (GRCh38, chrX:32,412,026, plus strand): 5'-TTCTGTAATCCTGCTGAACAATAAATGAAGATTCTAGACTCTTCCACAATCACCTTTTTG[T>C]AAGACAGATTTCGCAGCTTCCTGGCACTCATTCAGCTCTGTTGATAGAAAAAAAATGTGA-3'